The following is an entry in ClinVar:

NM_001844.5(COL2A1):c.1957_1958insT (p.Arg653fs)

Gene: COL2A1 (collagen type II alpha 1 chain; minus strand). Cytogenetic location: 12q13.11.
Variant type: Insertion.
Coding change: c.1957_1958insT on transcript NM_001844.5 (MANE Select); coding-DNA positions 1957 to 1958, T inserted.
Protein change: p.Arg653fs; shifts the reading frame from arginine 653.
Molecular consequence: frameshift variant.
Genome position: GRCh38 VCF-style: chr12-47983720-C-CA. GRCh37 (hg19) VCF-style: chr12-48377503-C-CA.
Other names: c.1750_1751insT, p.Arg584fs (NM_033150.3); short protein forms R653fs, R584fs.
Identifiers: ClinVar variation 4721326 (VCV004721326.1).

ClinVar aggregate classification (germline): Pathogenic (1 of 4 stars; one submission).

Submission:

Labcorp Genetics (formerly Invitae), Labcorp
Classification: Pathogenic. Last evaluated: 2025-06-17. Review status: criteria provided, single submitter. Criteria: Invitae Variant Classification Sherloc (09022015). Collection method: clinical testing. Allele origin: germline.
Comment: This sequence change creates a premature translational stop signal (p.Arg653Leufs*24) in the COL2A1 gene. It is expected to result in an absent or disrupted protein product. Loss-of-function variants in COL2A1 are known to be pathogenic (PMID: 20179744). This variant is not present in population databases (gnomAD no frequency). This variant has not been reported in the literature in individuals affected with COL2A1-related conditions. For these reasons, this variant has been classified as Pathogenic.

Literature cited by the submitters: PubMed 20179744.